The following is an entry in ClinVar:

ClinVar aggregate classification (germline): Uncertain significance. Review status: criteria provided, multiple submitters, no conflicts (2 of 4 stars). 2 submissions from 2 submitters: Uncertain significance (2). Last evaluated 2025-08-18.

Conditions:
Inborn genetic diseases. Identifiers: MedGen C0950123, MeSH D030342.
Fanconi anemia (FA). Also called: Fanconi's anemia. Identifiers: Orphanet 84, MedGen C0015625, MeSH D005199, MONDO:0019391.

Submissions (2):

Labcorp Genetics (formerly Invitae), Labcorp
Classification: Uncertain significance for Fanconi anemia. Last evaluated: 2025-08-18. Review status: criteria provided, single submitter. Criteria: Invitae Variant Classification Sherloc (09022015). Collection method: clinical testing. Allele origin: germline.
Comment: This sequence change replaces arginine, which is basic and polar, with proline, which is neutral and non-polar, at codon 754 of the FANCM protein (p.Arg754Pro). This variant is not present in population databases (gnomAD no frequency). This variant has not been reported in the literature in individuals affected with FANCM-related conditions. ClinVar contains an entry for this variant (Variation ID: 2746572). An algorithm developed to predict the effect of missense changes on protein structure and function (PolyPhen-2) suggests that this variant is likely to be disruptive. In summary, the available evidence is currently insufficient to determine the role of this variant in disease. Therefore, it has been classified as a Variant of Uncertain Significance.

Ambry Genetics
Classification: Uncertain significance for Inborn genetic diseases. Last evaluated: 2025-05-01. Review status: criteria provided, single submitter. Criteria: Ambry Variant Classification Scheme 2023. Collection method: clinical testing. Allele origin: germline.
Comment: The p.R754P variant (also known as c.2261G>C), located in coding exon 13 of the FANCM gene, results from a G to C substitution at nucleotide position 2261. The arginine at codon 754 is replaced by proline, an amino acid with dissimilar properties. This amino acid position is conserved. In addition, the in silico prediction for this alteration is inconclusive. Based on the available evidence, the clinical significance of this variant remains unclear.

NM_020937.4(FANCM):c.2261G>C (p.Arg754Pro)

Gene: FANCM (FA complementation group M; plus strand). Cytogenetic location: 14q21.2.
Variant type: single nucleotide variant.
Coding change: c.2261G>C on transcript NM_020937.4 (MANE Select); coding-DNA position 2261, G replaced by C.
Protein change: p.Arg754Pro; replaces arginine 754 with proline.
Molecular consequence: missense variant.
Genome position (GRCh38, 1-based): chr14:45,173,155, G>C. VCF-style: chr14-45173155-G-C. GRCh37 (hg19) VCF-style: chr14-45642358-G-C.
Other names: c.2183G>C, p.Arg728Pro (NM_001308133.2); short protein forms R728P, R754P.
Identifiers: ClinVar variation 2746572 (VCV002746572.4), dbSNP rs529256568, ClinGen allele CA389596797.
Genomic context (GRCh38, chr14:45,173,155, plus strand): 5'-CTGAATGGAGACTGTGGCAAGATCATCCTTTGCCTACACATCAAGTTGATCACTCAGATC[G>C]ATGCCGCCATTTTATAGGCCTTATGCAAATGATAGAGGGAATGAGACACGAAGAGGTGGG-3'
Protein context (NP_065988.1, residues 744-764): LPTHQVDHSD[Arg754Pro]CRHFIGLMQM